The following is an entry in ClinVar:

NM_005359.6(SMAD4):c.969G>T (p.Trp323Cys)

Gene: SMAD4 (SMAD family member 4; plus strand). Cytogenetic location: 18q21.2.
Variant type: single nucleotide variant.
Coding change: c.969G>T on transcript NM_005359.6 (MANE Select); coding-DNA position 969, G replaced by T.
Protein change: p.Trp323Cys; replaces tryptophan 323 with cysteine.
Molecular consequence: missense variant.
Genome position (GRCh38, 1-based): chr18:51,065,436, G>T. VCF-style: chr18-51065436-G-T. GRCh37 (hg19) VCF-style: chr18-48591806-G-T.
Other names: short protein forms W323C.
Identifiers: ClinVar variation 573697 (VCV000573697.10), dbSNP rs772575670, ClinGen allele CA402464107.

ClinVar aggregate classification (germline): Uncertain significance (1 of 4 stars; one submission).

Conditions:
Juvenile polyposis syndrome (JPS). Identifiers: Orphanet 2929, MedGen C0345893, MONDO:0017380, OMIM 174900.

Submission:

Labcorp Genetics (formerly Invitae), Labcorp
Classification: Uncertain significance for Juvenile polyposis syndrome. Last evaluated: 2022-07-18. Review status: criteria provided, single submitter. Criteria: Invitae Variant Classification Sherloc (09022015). Collection method: clinical testing. Allele origin: germline.
Comment: In summary, the available evidence is currently insufficient to determine the role of this variant in disease. Therefore, it has been classified as a Variant of Uncertain Significance. Advanced modeling of protein sequence and biophysical properties (such as structural, functional, and spatial information, amino acid conservation, physicochemical variation, residue mobility, and thermodynamic stability) performed at Invitae indicates that this missense variant is expected to disrupt SMAD4 protein function. ClinVar contains an entry for this variant (Variation ID: 573697). This variant has not been reported in the literature in individuals affected with SMAD4-related conditions. This variant is not present in population databases (gnomAD no frequency). This sequence change replaces tryptophan, which is neutral and slightly polar, with cysteine, which is neutral and slightly polar, at codon 323 of the SMAD4 protein (p.Trp323Cys).